The following is an entry in ClinVar:

ClinVar aggregate classification (germline): Benign/Likely benign. Review status: criteria provided, multiple submitters, no conflicts (2 of 4 stars). 9 submissions from 9 submitters: Benign (3); Likely benign (4). 2 of the submissions do not count toward it. Last evaluated 2026-02-01.

Conditions:
Age related macular degeneration 1 (ARMD1). Also called: MACULOPATHY, AGE-RELATED, 1. Identifiers: MedGen C1864205, MONDO:0011285, OMIM 603075.

Allele frequency attached by ClinVar (database versions not stated): 1000 Genomes Project 0.00200; 1000 Genomes Project 30x 0.00234; TOPMed 0.00329; gnomAD 0.00337 and 0.00342; ESP Exome Variant Server 0.00438; gnomAD exomes 0.00497.
gnomAD v4.1: 7,734 of 1,614,138 alleles (0.48%); highest among the groups gnomAD compares: Non-Finnish European, 0.59%; 22 homozygotes.

Submissions (9):

Labcorp Genetics (formerly Invitae), Labcorp
Classification: Benign. Last evaluated: 2026-02-01. Review status: criteria provided, single submitter. Criteria: Invitae Variant Classification Sherloc (09022015). Collection method: clinical testing. Allele origin: germline.

Blueprint Genetics
Classification: Likely benign. Last evaluated: 2024-11-17. Review status: criteria provided, single submitter. Criteria: ACMG Guidelines, 2015. Collection method: clinical testing. Allele origin: germline.

Genome-Nilou Lab
Classification: Benign for Age related macular degeneration 1. Last evaluated: 2023-04-11. Review status: criteria provided, single submitter. Criteria: ACMG Guidelines, 2015. Collection method: clinical testing. Allele origin: germline. Affected: no.

CeGaT Center for Human Genetics Tuebingen
Classification: Likely benign. Last evaluated: 2022-07-01. Review status: criteria provided, single submitter. Criteria: CeGaT Center For Human Genetics Tuebingen Variant Classification Criteria Version 2. Collection method: clinical testing. Allele origin: germline. Affected: yes. Observed: 1 variant allele.
Comment: HMCN1: BP4, BP7

Illumina Laboratory Services, Illumina
Classification: Likely benign for Age related macular degeneration 1. Last evaluated: 2018-01-13. Review status: criteria provided, single submitter. Criteria: ICSL Variant Classification Criteria 13 December 2019. Collection method: clinical testing. Allele origin: germline.
Comment: This variant was observed in the ICSL laboratory as part of a predisposition screen in an ostensibly healthy population. It had not been previously curated by ICSL or reported in the Human Gene Mutation Database (HGMD: prior to June 1st, 2018), and was therefore a candidate for classification through an automated scoring system. Utilizing variant allele frequency, disease prevalence and penetrance estimates, and inheritance mode, an automated score was calculated to assess if this variant is too frequent to cause the disease. Based on the score and internal cut-off values, a variant classified as likely benign is not then subjected to further curation. The score for this variant resulted in a classification of likely benign for this disease.

Eurofins Ntd Llc (ga)
Classification: Benign. Last evaluated: 2014-01-06. Review status: criteria provided, single submitter. Criteria: EGL Classification Definitions 2015. Collection method: clinical testing. Allele origin: germline. Observed: 1 variant allele, 1 heterozygote.

Breakthrough Genomics
Classification: Likely benign. Review status: criteria provided, single submitter. Criteria: ACMG Guidelines, 2015. Collection method: not provided. Allele origin: germline. Inheritance: Autosomal dominant inheritance. Affected: yes.

Clinical Genetics DNA and cytogenetics Diagnostics Lab, Erasmus MC, Erasmus Medical Center
Classification: Likely benign. Review status: no assertion criteria provided. Collection method: clinical testing. Allele origin: germline. Affected: yes. Study: VKGL Data-share Consensus. Not counted in ClinVar's aggregate classification.

Clinical Genetics, Academic Medical Center
Classification: Likely benign. Review status: no assertion criteria provided. Collection method: clinical testing. Allele origin: germline. Affected: yes. Study: VKGL Data-share Consensus. Not counted in ClinVar's aggregate classification.

NM_031935.3(HMCN1):c.114G>T (p.Gly38=)

Gene: HMCN1 (hemicentin 1; plus strand). Cytogenetic location: 1q25.3.
Variant type: single nucleotide variant.
Coding change: c.114G>T on transcript NM_031935.3 (MANE Select); coding-DNA position 114, G replaced by T.
Protein change: p.Gly38=; no amino-acid change (glycine 38 retained).
Molecular consequence: synonymous variant.
Genome position (GRCh38, 1-based): chr1:185,734,893, G>T. VCF-style: chr1-185734893-G-T. GRCh37 (hg19) VCF-style: chr1-185704025-G-T.
Identifiers: ClinVar variation 167179 (VCV000167179.46), dbSNP rs115169621, ClinGen allele CA180118.